The following is an entry in ClinVar:

NM_000030.3(AGXT):c.822G>C (p.Glu274Asp)

Gene: AGXT (alanine--glyoxylate aminotransferase; plus strand). Cytogenetic location: 2q37.3.
Variant type: single nucleotide variant.
Coding change: c.822G>C on transcript NM_000030.3 (MANE Select); coding-DNA position 822, G replaced by C.
Protein change: p.Glu274Asp; replaces glutamic acid 274 with aspartic acid.
Molecular consequence: missense variant.
Genome position (GRCh38, 1-based): chr2:240,875,980, G>C. VCF-style: chr2-240875980-G-C. GRCh37 (hg19) VCF-style: chr2-241815397-G-C.
Other names: short protein forms E274D.
Identifiers: ClinVar variation 204129 (VCV000204129.17), dbSNP rs146525143, ClinGen allele CA275741.
Genomic context (GRCh38, chr2:240,875,980, plus strand): 5'-CCTCGTGTCTTCCAGGTACCATCACACAATCCCCGTCATCAGCCTGTACAGCCTGAGAGA[G>C]AGCCTGGCCCTCATTGCGGAACAGGTGCATGGGCTGCACTCCACAGGAGGAGACAGGGCC-3'
Protein context (NP_000021.1, residues 264-284): IPVISLYSLR[Glu274Asp]SLALIAEQGL

ClinVar aggregate classification (germline): Conflicting classifications of pathogenicity. Review status: criteria provided, conflicting classifications (1 of 4 stars). 6 submissions from 6 submitters: Likely pathogenic (3); Uncertain significance (2). 1 of the submissions does not count toward it. Last evaluated 2026-07-10.

Conditions:
Primary hyperoxaluria, type I (HP1). Also called: GLYCOLIC ACIDURIA; HEPATIC AGT DEFICIENCY; OXALOSIS I; Primary hyperoxaluria type 1. Identifiers: Orphanet 416, Orphanet 93598, MedGen C0268164, MONDO:0009823, OMIM 259900. Disease mechanism: loss of function.

Allele frequency attached by ClinVar (database versions not stated): ExAC 0.00004; gnomAD exomes 0.00006 and 0.00004; gnomAD 0.00007; TOPMed 0.00007; ESP Exome Variant Server 0.00015.
gnomAD v4.1: 77 of 1,614,074 alleles (0.0048%); highest among the groups gnomAD compares: Non-Finnish European, 0.0058%; no homozygotes.

Submissions (6):

Myriad Genetics, Inc.
Classification: Likely pathogenic for Primary hyperoxaluria, type I. Last evaluated: 2026-07-10. Review status: criteria provided, single submitter. Criteria: Myriad Autosomal Dominant, Autosomal Recessive and X-Linked Classification Criteria (2023). Collection method: clinical testing. Allele origin: unknown.
Comment: NM_000030.2(AGXT):c.822G>C(E274D) is a missense variant classified as likely pathogenic in the context of primary hyperoxaluria type 1. E274D has been observed in cases with relevant disease (PMID: 24988064). Relevant functional assessments of this variant are available in the literature (PMID: 40683450). E274D has been observed in referenced population frequency databases. In summary, NM_000030.2(AGXT):c.822G>C(E274D) is a missense variant that has functional support for pathogenicity and has been observed more frequently in cases with the relevant disease than in healthy populations. Please note: this variant was assessed in the context of healthy population screening.

Natera, Inc.
Classification: Likely pathogenic for Primary hyperoxaluria type I. Last evaluated: 2025-12-16. Review status: criteria provided, single submitter. Criteria: Natera Variant Classification Schema (03/2026). Collection method: clinical testing. Allele origin: germline.
Comment: The c.822G>C variant in AGXT is a missense variant predicted to cause substitution of glutamic acid to aspartic acid at amino acid 274. This variant is rare in the general population with a frequency below the threshold expected for the associated phenotype(s). This variant has been observed in one or more individuals affected with the associated recessive disease, as either homozygous or compound heterozygous with a second variant (PMID: 25629080). Functional studies show that this variant may disrupt protein function (PMID: 40683450). Computational prediction algorithms indicate this variant is likely to affect gene or protein function. Given the available evidence, this variant is classified as Likely Pathogenic.

Rare Kidney Stone Consortium and the Mayo Clinic Hyperoxaluria Center, Mayo Clinic
Classification: Likely pathogenic for Primary hyperoxaluria, type I. Last evaluated: 2023-10-27. Review status: criteria provided, single submitter. Criteria: ACMG Guidelines, 2015. Collection method: clinical testing. Allele origin: germline. Affected: yes.
Comment: ACMG:PS3 PS5 PM2 PP1 PP3 PP4

Labcorp Genetics (formerly Invitae), Labcorp
Classification: Uncertain significance. Last evaluated: 2022-02-19. Review status: criteria provided, single submitter. Criteria: Invitae Variant Classification Sherloc (09022015). Collection method: clinical testing. Allele origin: germline.
Comment: This sequence change replaces glutamic acid, which is acidic and polar, with aspartic acid, which is acidic and polar, at codon 274 of the AGXT protein (p.Glu274Asp). This variant is present in population databases (rs146525143, gnomAD 0.03%). This missense change has been observed in individual(s) with primary hyperoxaluria (PMID: 19479957, 25629080). ClinVar contains an entry for this variant (Variation ID: 204129). Advanced modeling of protein sequence and biophysical properties (such as structural, functional, and spatial information, amino acid conservation, physicochemical variation, residue mobility, and thermodynamic stability) performed at Invitae indicates that this missense variant is expected to disrupt AGXT protein function. Experimental studies have shown that this missense change affects AGXT function (PMID: 24718375). In summary, the available evidence is currently insufficient to determine the role of this variant in disease. Therefore, it has been classified as a Variant of Uncertain Significance.

Fulgent Genetics
Classification: Uncertain significance for Primary hyperoxaluria, type I. Last evaluated: 2022-02-01. Review status: criteria provided, single submitter. Criteria: ACMG Guidelines, 2015. Collection method: clinical testing. Allele origin: unknown.

Clinical Biochemistry Laboratory, Health Services Laboratory
Classification: Pathogenic for Primary hyperoxaluria, type I. Last evaluated: 2014-11-27. Review status: no assertion criteria provided. Collection method: in vitro. Allele origin: germline. Affected: yes. Not counted in ClinVar's aggregate classification.

Literature cited by the submitters: PubMed 24988064 (cited by Myriad Genetics, Inc.); PubMed 40683450 (cited by Myriad Genetics, Inc. and Natera, Inc.); PubMed 25629080 (cited by 3 submitters); PubMed 24718375 (cited by 3 submitters); PubMed 22923379 (cited by Rare Kidney Stone Consortium and the Mayo Clinic Hyperoxaluria Center, Mayo Clinic and Clinical Biochemistry Laboratory, Health Services Laboratory); PubMed 19479957 (cited by 3 submitters); PubMed 25644115 (cited by Rare Kidney Stone Consortium and the Mayo Clinic Hyperoxaluria Center, Mayo Clinic).